The following is an entry in ClinVar:

NM_003620.4(PPM1D):c.1501A>G (p.Thr501Ala)

Gene: PPM1D (protein phosphatase, Mg2+/Mn2+ dependent 1D; plus strand). Cytogenetic location: 17q23.2.
Variant type: single nucleotide variant.
Coding change: c.1501A>G on transcript NM_003620.4 (MANE Select); coding-DNA position 1501, A replaced by G.
Protein change: p.Thr501Ala; replaces threonine 501 with alanine.
Molecular consequence: missense variant.
Genome position (GRCh38, 1-based): chr17:60,663,235, A>G. VCF-style: chr17-60663235-A-G. GRCh37 (hg19) VCF-style: chr17-58740596-A-G.
Other names: short protein forms T501A.
Identifiers: ClinVar variation 695318 (VCV000695318.35), dbSNP rs61757742, ClinGen allele CA8687804.
Genomic context (GRCh38, chr17:60,663,235, plus strand): 5'-GCCCTGACTTTAAGGATACATGATTCTTTGAATAATAGCCTTCCAATTGGCCTTGTGCCT[A>G]CTAATTCAACAAACACTGTCATGGACCAAAAAAATTTGAAGATGTCAACTCCTGGCCAAA-3'
Protein context (NP_003611.1, residues 491-511): NNSLPIGLVP[Thr501Ala]NSTNTVMDQK

ClinVar aggregate classification (germline): Benign/Likely benign. Review status: criteria provided, multiple submitters, no conflicts (2 of 4 stars). 4 submissions from 4 submitters: Benign (2); Likely benign (2). Last evaluated 2025-12-01.

Allele frequency attached by ClinVar (database versions not stated): gnomAD exomes 0.00024; TOPMed 0.00282; gnomAD 0.00289 and 0.00298; ESP Exome Variant Server 0.00315; 1000 Genomes Project 0.00539; 1000 Genomes Project 30x 0.00578.
gnomAD v4.1: 809 of 1,614,176 alleles (0.05%); highest among the groups gnomAD compares: African/African-American, 0.93%; 1 homozygote.

Submissions (4):

CeGaT Center for Human Genetics Tuebingen
Classification: Likely benign. Last evaluated: 2025-12-01. Review status: criteria provided, single submitter. Criteria: CeGaT Center For Human Genetics Tuebingen Variant Classification Criteria Version 2. Collection method: clinical testing. Allele origin: germline. Affected: yes. Observed: 2 variant alleles.
Comment: PPM1D: BP4, BS1

Labcorp Genetics (formerly Invitae), Labcorp
Classification: Benign. Last evaluated: 2025-11-12. Review status: criteria provided, single submitter. Criteria: Invitae Variant Classification Sherloc (09022015). Collection method: clinical testing. Allele origin: germline.

Blueprint Genetics
Classification: Likely benign. Last evaluated: 2024-08-28. Review status: criteria provided, single submitter. Criteria: ACMG Guidelines, 2015. Collection method: clinical testing. Allele origin: germline.

Breakthrough Genomics
Classification: Benign. Review status: criteria provided, single submitter. Criteria: ACMG Guidelines, 2015. Collection method: not provided. Allele origin: germline. Inheritance: Autosomal dominant inheritance. Affected: yes.